The following is an entry in ClinVar:

ClinVar aggregate classification (germline): Uncertain significance (1 of 4 stars; one submission).

Conditions:
Inborn genetic diseases. Identifiers: MedGen C0950123, MeSH D030342.

Submission:

Ambry Genetics
Classification: Uncertain significance for Inborn genetic diseases. Last evaluated: 2022-10-09. Review status: criteria provided, single submitter. Criteria: Ambry Variant Classification Scheme 2023. Collection method: clinical testing. Allele origin: germline.
Comment: The p.E2034G variant (also known as c.6101A>G), located in coding exon 36 of the ATR gene, results from an A to G substitution at nucleotide position 6101. The glutamic acid at codon 2034 is replaced by glycine, an amino acid with similar properties. This amino acid position is conserved. In addition, the in silico prediction for this alteration is inconclusive. Since supporting evidence is limited at this time, the clinical significance of this alteration remains unclear.

NM_001184.4(ATR):c.6101A>G (p.Glu2034Gly)

Genes: ATR (ATR checkpoint kinase; minus strand), LOC126806830 (BRD4-independent group 4 enhancer GRCh37_chr3:142203676-142204875; plus strand). Cytogenetic location: 3q23.
Variant type: single nucleotide variant.
Coding change: c.6101A>G on transcript NM_001184.4 (MANE Select); coding-DNA position 6101, A replaced by G.
Protein change: p.Glu2034Gly; replaces glutamic acid 2034 with glycine.
Molecular consequence: missense variant.
Genome position (GRCh38, 1-based): chr3:142,485,260, T>C on the plus strand (A>G on the coding strand, the complement: ATR is on the minus strand). VCF-style: chr3-142485260-T-C. GRCh37 (hg19) VCF-style: chr3-142204102-T-C.
Other names: c.5909A>G, p.Glu1970Gly (NM_001354579.2); short protein forms E1970G, E2034G.
Identifiers: ClinVar variation 1751633 (VCV001751633.2), dbSNP rs2108311568, ClinGen allele CA354809792.